The following is an entry in ClinVar:

NM_001376.5(DYNC1H1):c.1085C>T (p.Thr362Ile)

Gene: DYNC1H1 (dynein cytoplasmic 1 heavy chain 1; plus strand). Cytogenetic location: 14q32.31.
Variant type: single nucleotide variant.
Coding change: c.1085C>T on transcript NM_001376.5 (MANE Select); coding-DNA position 1085, C replaced by T.
Protein change: p.Thr362Ile; replaces threonine 362 with isoleucine.
Molecular consequence: missense variant.
Genome position (GRCh38, 1-based): chr14:101,983,142, C>T. VCF-style: chr14-101983142-C-T. GRCh37 (hg19) VCF-style: chr14-102449479-C-T.
Other names: short protein forms T362I.
Identifiers: ClinVar variation 957428 (VCV000957428.15), dbSNP rs1818621543, ClinGen allele CA391012972.
Genomic context (GRCh38, chr14:101,983,142, plus strand): 5'-ATGATTTGCTGTCTGCCACGGAGCTGGACAAAATAAGACAGGCGCTTGTTGCCATTTTCA[C>T]ACATTTGAGAAAGATCCGAAACACAAAATATCCTATTCAGAGGGCACTGCGTTTGGTGGA-3'
Protein context (NP_001367.2, residues 352-372): KIRQALVAIF[Thr362Ile]HLRKIRNTKY

ClinVar aggregate classification (germline): Uncertain significance. Review status: criteria provided, multiple submitters, no conflicts (2 of 4 stars). 5 submissions from 5 submitters: Uncertain significance (5). Last evaluated 2025-08-29.

Conditions:
Charcot-Marie-Tooth disease axonal type 2O. Also called: CHARCOT-MARIE-TOOTH NEUROPATHY, AXONAL, TYPE 2O; CHARCOT-MARIE-TOOTH DISEASE, AXONAL, AUTOSOMAL DOMINANT, TYPE 2O; Charcot-Marie-Tooth Neuropathy Type 2O; Charcot-Marie-Tooth disease, axonal, type 20. Identifiers: Orphanet 284232, MedGen C3280220, MONDO:0013644, OMIM 614228.
Cortical dysplasia, complex, with other brain malformations 13. Also called: Intellectual disability, autosomal dominant 13. Identifiers: MedGen C3281202, MONDO:0013805, OMIM 614563.
Autosomal dominant childhood-onset proximal spinal muscular atrophy without contractures. Also called: Spinal muscular atrophy, lower extremity-predominant 1, AD; SPINAL MUSCULAR ATROPHY, CHILDHOOD, PROXIMAL, AUTOSOMAL DOMINANT; KUGELBERG-WELANDER SYNDROME, AUTOSOMAL DOMINANT; SPINAL MUSCULAR ATROPHY, JUVENILE, PROXIMAL, AUTOSOMAL DOMINANT. Identifiers: Orphanet 209341, Orphanet 363447, MedGen C5780022, MONDO:0008026, OMIM 158600.

Allele frequency attached by ClinVar (database versions not stated): TOPMed below 0.00001.

Submissions (5):

Labcorp Genetics (formerly Invitae), Labcorp
Classification: Uncertain significance for Charcot-Marie-Tooth disease axonal type 2O. Last evaluated: 2025-08-29. Review status: criteria provided, single submitter. Criteria: Invitae Variant Classification Sherloc (09022015). Collection method: clinical testing. Allele origin: germline.
Comment: This sequence change replaces threonine, which is neutral and polar, with isoleucine, which is neutral and non-polar, at codon 362 of the DYNC1H1 protein (p.Thr362Ile). This variant is not present in population databases (gnomAD no frequency). This variant has not been reported in the literature in individuals affected with DYNC1H1-related conditions. ClinVar contains an entry for this variant (Variation ID: 957428). Invitae Evidence Modeling of protein sequence and biophysical properties (such as structural, functional, and spatial information, amino acid conservation, physicochemical variation, residue mobility, and thermodynamic stability) indicates that this missense variant is not expected to disrupt DYNC1H1 protein function with a negative predictive value of 95%. In summary, the available evidence is currently insufficient to determine the role of this variant in disease. Therefore, it has been classified as a Variant of Uncertain Significance.

GeneDx
Classification: Uncertain significance. Last evaluated: 2025-06-04. Review status: criteria provided, single submitter. Criteria: GeneDx Variant Classification Process June 2021. Collection method: clinical testing. Allele origin: germline. Affected: yes.
Comment: Not observed at significant frequency in large population cohorts (gnomAD); In silico analysis suggests that this missense variant does not alter protein structure/function; Has not been previously published as pathogenic or benign to our knowledge; This variant is associated with the following publications: (PMID: 25512093, 25609763, 26100331)

Greenwood Genetic Center Diagnostic Laboratories, Greenwood Genetic Center
Classification: Uncertain significance. Last evaluated: 2023-10-13. Review status: criteria provided, single submitter. Criteria: ACMG Guidelines, 2015. Collection method: clinical testing. Allele origin: germline. Affected: yes.
Comment: PM2

Laboratorio de Genetica e Diagnostico Molecular, Hospital Israelita Albert Einstein
Classification: Uncertain significance. Last evaluated: 2022-03-15. Review status: criteria provided, single submitter. Criteria: ACMG Guidelines, 2015. Collection method: clinical testing. Allele origin: germline. Affected: yes.
Comment: ACMG classification criteria: PM2, BP4

Fulgent Genetics
Classification: Uncertain significance for Autosomal dominant childhood-onset proximal spinal muscular atrophy without contractures; Charcot-Marie-Tooth disease axonal type 2O; Cortical dysplasia, complex, with other brain malformations 13. Last evaluated: 2021-08-10. Review status: criteria provided, single submitter. Criteria: ACMG Guidelines, 2015. Collection method: clinical testing. Allele origin: unknown.